The following is an entry in ClinVar:

NM_022114.4(PRDM16):c.1213C>T (p.Gln405Ter)

Gene: PRDM16 (PR/SET domain 16; plus strand). Cytogenetic location: 1p36.32.
Variant type: single nucleotide variant.
Coding change: c.1213C>T on transcript NM_022114.4 (MANE Select); coding-DNA position 1213, C replaced by T.
Protein change: p.Gln405Ter; replaces glutamine 405 with a stop codon.
Molecular consequence: nonsense.
Genome position (GRCh38, 1-based): chr1:3,411,410, C>T. VCF-style: chr1-3411410-C-T. GRCh37 (hg19) VCF-style: chr1-3327974-C-T.
Other names: c.1213C>T, p.Gln405Ter (NM_199454.3); short protein forms Q405*.
Identifiers: ClinVar variation 5037762 (VCV005037762.1).
Genomic context (GRCh38, chr1:3,411,410, plus strand): 5'-TGCGGGTTTGTCTTGGCTTCTGCTGATGTTTTAGGTGAGGTCTGCCACAAGTCCTACACG[C>T]AGTTCTCCAACCTGTGCCGGCACAAGCGGATGCACGCCGACTGCCGCACGCAGATCAAGT-3'

ClinVar aggregate classification (germline): Pathogenic (1 of 4 stars; one submission).

Conditions:
Left ventricular noncompaction 8 (LVNC8). Identifiers: Orphanet 154, Orphanet 54260, MedGen C3809288, MONDO:0014152, OMIM 615373.

Submission:

Center for Molecular Medicine, Children’s Hospital of Fudan University
Classification: Pathogenic for Left ventricular noncompaction 8. Last evaluated: 2025-12-12. Review status: criteria provided, single submitter. Criteria: ACMG Guidelines 2015. Collection method: clinical testing. Allele origin: de novo. Affected: yes.
Comment: PVS1+PS2+PM2_Supp